The following is an entry in ClinVar:

NM_001199107.2(TBC1D24):c.919A>G (p.Asn307Asp)

Gene: TBC1D24 (TBC1 domain family member 24; plus strand). Cytogenetic location: 16p13.3.
Variant type: single nucleotide variant.
Coding change: c.919A>G on transcript NM_001199107.2 (MANE Select); coding-DNA position 919, A replaced by G.
Protein change: p.Asn307Asp; replaces asparagine 307 with aspartic acid.
Molecular consequence: missense variant.
Genome position (GRCh38, 1-based): chr16:2,497,067, A>G. VCF-style: chr16-2497067-A-G. GRCh37 (hg19) VCF-style: chr16-2547068-A-G.
Other names: c.919A>G, p.Asn307Asp (NM_020705.3); short protein forms N307D.
Identifiers: ClinVar variation 2446687 (VCV002446687.1), dbSNP rs1555501320, ClinGen allele CA394377928.

ClinVar aggregate classification (germline): Uncertain significance (1 of 4 stars; one submission).

Allele frequency attached by ClinVar (database versions not stated): TOPMed below 0.00001.
gnomAD v4.1: 1 of 1,611,212 alleles (0.000062%); no homozygotes.

Submission:

GeneDx
Classification: Uncertain significance. Last evaluated: 2022-10-03. Review status: criteria provided, single submitter. Criteria: GeneDx Variant Classification Process June 2021. Collection method: clinical testing. Allele origin: germline. Affected: yes.
Comment: Not observed at significant frequency in large population cohorts (gnomAD); In silico analysis supports that this missense variant has a deleterious effect on protein structure/function; This variant is associated with the following publications: (PMID: 27502353)